The following is an entry in ClinVar:

NM_006623.4(PHGDH):c.665_666dup (p.Ala223fs)

Gene: PHGDH (phosphoglycerate dehydrogenase; plus strand). Cytogenetic location: 1p12.
Variant type: Duplication.
Coding change: c.665_666dup on transcript NM_006623.4 (MANE Select); coding-DNA positions 665 to 666, 2 bases duplicated (TT; older notation c.665_666dupTT).
Protein change: p.Ala223fs; shifts the reading frame from alanine 223.
Molecular consequence: frameshift variant.
Genome position (GRCh38, 1-based): chr1:119,735,316-119,735,317, TT duplicated; duplicating any 2 consecutive bases within chr1:119,735,315-119,735,317 gives the same sequence; the c. name uses the placement nearest the transcript's 3' end. VCF-style (leftmost placement, unchanged base first): chr1-119735314-C-CTT. GRCh37 (hg19) VCF-style: chr1-120277937-C-CTT.
Other names: short protein forms A223fs.
Identifiers: ClinVar variation 2783899 (VCV002783899.4), dbSNP rs2464159619, ClinGen allele CA2739275202.

ClinVar aggregate classification (germline): Pathogenic/Likely pathogenic. Review status: criteria provided, multiple submitters, no conflicts (2 of 4 stars). 2 submissions from 2 submitters: Pathogenic (1); Likely pathogenic (1). Last evaluated 2024-01-09.

Conditions:
PHGDH deficiency. Identifiers: Orphanet 79351, MedGen C1866174, MONDO:0011152, OMIM 601815.
Neu-Laxova syndrome 1 (NLS1). Identifiers: Orphanet 2671, Orphanet 583607, MedGen C4551478, MONDO:0009736, OMIM 256520. Disease mechanism: loss of function.

Submissions (2):

Fulgent Genetics
Classification: Likely pathogenic for Neu-Laxova syndrome 1; PHGDH deficiency. Last evaluated: 2024-01-09. Review status: criteria provided, single submitter. Criteria: ACMG Guidelines, 2015. Collection method: clinical testing. Allele origin: germline.

Labcorp Genetics (formerly Invitae), Labcorp
Classification: Pathogenic for PHGDH deficiency. Last evaluated: 2023-04-29. Review status: criteria provided, single submitter. Criteria: Invitae Variant Classification Sherloc (09022015). Collection method: clinical testing. Allele origin: germline.
Comment: For these reasons, this variant has been classified as Pathogenic. Algorithms developed to predict the effect of sequence changes on RNA splicing suggest that this variant may create or strengthen a splice site. This variant has not been reported in the literature in individuals affected with PHGDH-related conditions. This variant is not present in population databases (gnomAD no frequency). This sequence change creates a premature translational stop signal (p.Ala223Leufs*11) in the PHGDH gene. It is expected to result in an absent or disrupted protein product. Loss-of-function variants in PHGDH are known to be pathogenic (PMID: 14645240, 24836451).

Literature cited by the submitters: PubMed 14645240 (cited by Labcorp Genetics (formerly Invitae), Labcorp); PubMed 24836451 (cited by Labcorp Genetics (formerly Invitae), Labcorp).